The following is an entry in ClinVar:

ClinVar aggregate classification (germline): Uncertain significance. Review status: criteria provided, multiple submitters, no conflicts (2 of 4 stars). 2 submissions from 2 submitters: Uncertain significance (2). Last evaluated 2025-03-04.

Conditions:
Intellectual developmental disorder 61. Also called: INTELLECTUAL DEVELOPMENTAL DISORDER, AUTOSOMAL DOMINANT 61; MENTAL RETARDATION, AUTOSOMAL DOMINANT 61. Identifiers: MedGen C5231400, MONDO:0032485, OMIM 618009.

Allele frequency attached by ClinVar (database versions not stated): TOPMed below 0.00001; gnomAD 0.00001.
gnomAD v4.1: 1 of 1,613,536 alleles (0.000062%); no homozygotes.

Submissions (2):

GeneDx
Classification: Uncertain significance. Last evaluated: 2025-03-04. Review status: criteria provided, single submitter. Criteria: GeneDx Variant Classification Process June 2021. Collection method: clinical testing. Allele origin: germline. Affected: yes.
Comment: Not observed at significant frequency in large population cohorts (gnomAD); In silico analysis supports that this missense variant has a deleterious effect on protein structure/function; Has not been previously published as pathogenic or benign to our knowledge

New York Genome Center
Classification: Uncertain significance for Intellectual developmental disorder 61. Last evaluated: 2021-01-22. Review status: criteria provided, single submitter. Criteria: NYGC Assertion Criteria 2020. Collection method: clinical testing. Allele origin: inherited. Observed: 1 heterozygote. Study: CSER-NYCKidSeq.

NM_005121.3(MED13):c.4163T>G (p.Phe1388Cys)

Gene: MED13 (mediator complex subunit 13; minus strand). Cytogenetic location: 17q23.2.
Variant type: single nucleotide variant.
Coding change: c.4163T>G on transcript NM_005121.3 (MANE Select); coding-DNA position 4163, T replaced by G.
Protein change: p.Phe1388Cys; replaces phenylalanine 1388 with cysteine.
Molecular consequence: missense variant.
Genome position (GRCh38, 1-based): chr17:61,968,063, A>C on the plus strand (T>G on the coding strand, the complement: MED13 is on the minus strand). VCF-style: chr17-61968063-A-C. GRCh37 (hg19) VCF-style: chr17-60045424-A-C.
Other names: c.4163T>G (NM_005121.2); short protein forms F1388C.
Identifiers: ClinVar variation 1341808 (VCV001341808.2), dbSNP rs2080074728, ClinGen allele CA400498378.